The following is an entry in ClinVar:

ClinVar aggregate classification (germline): Uncertain significance. Review status: criteria provided, multiple submitters, no conflicts (2 of 4 stars). 3 submissions from 3 submitters: Uncertain significance (3). Last evaluated 2026-03-26.

Conditions:
Familial infantile bilateral striatal necrosis (FBSN). Also called: BILATERAL STRIATAL NECROSIS, INFANTILE. Identifiers: Orphanet 225154, MedGen C4087174, MONDO:0010080, OMIM 271930.

Allele frequency attached by ClinVar (database versions not stated): 1000 Genomes Project 0.00080; 1000 Genomes Project 30x 0.00062.
gnomAD v4.1: 390 of 1,613,138 alleles (0.024%); highest among the groups gnomAD compares: East Asian, 0.86%; 5 homozygotes.

Submissions (3):

Ambry Genetics
Classification: Uncertain significance. Last evaluated: 2026-03-26. Review status: criteria provided, single submitter. Criteria: Ambry Variant Classification Scheme 2023. Collection method: clinical testing. Allele origin: germline.

Labcorp Genetics (formerly Invitae), Labcorp
Classification: Uncertain significance. Last evaluated: 2022-09-21. Review status: criteria provided, single submitter. Criteria: Invitae Variant Classification Sherloc (09022015). Collection method: clinical testing. Allele origin: germline.
Comment: In summary, the available evidence is currently insufficient to determine the role of this variant in disease. Therefore, it has been classified as a Variant of Uncertain Significance. Algorithms developed to predict the effect of missense changes on protein structure and function (SIFT, PolyPhen-2, Align-GVGD) all suggest that this variant is likely to be tolerated. This variant has not been reported in the literature in individuals affected with NUP62-related conditions. This variant is present in population databases (rs199595285, gnomAD 0.07%), and has an allele count higher than expected for a pathogenic variant. This sequence change replaces alanine, which is neutral and non-polar, with serine, which is neutral and polar, at codon 260 of the NUP62 protein (p.Ala260Ser).

Department of Pathology and Laboratory Medicine, Sinai Health System
Classification: Uncertain significance for Familial infantile bilateral striatal necrosis. Last evaluated: 2022-06-27. Review status: criteria provided, single submitter. Criteria: ACMG Guidelines, 2015. Collection method: research. Allele origin: germline.

NM_016553.5(NUP62):c.778G>T (p.Ala260Ser)

Genes: IL4I1 (interleukin 4 induced 1; minus strand), NUP62 (nucleoporin 62; minus strand). Cytogenetic location: 19q13.33.
Variant type: single nucleotide variant.
Coding change: c.778G>T on transcript NM_016553.5 (MANE Select); coding-DNA position 778, G replaced by T.
Protein change: p.Ala260Ser; replaces alanine 260 with serine.
Molecular consequence: missense variant. On other transcripts: intron variant (3).
Genome position (GRCh38, 1-based): chr19:49,909,030, C>A on the plus strand (G>T on the coding strand, the complement: NUP62 is on the minus strand). VCF-style: chr19-49909030-C-A. GRCh37 (hg19) VCF-style: chr19-50412287-C-A.
Other names: c.778G>T, p.Ala260Ser (NM_001193357.2, NM_012346.5, NM_153718.4 and 1 more transcripts); c.-227-4709G>T (NM_001258017.2, NM_172374.3); c.-285-4709G>T (NM_001258018.2); c.778G>T (NM_153719.3); short protein forms A260S.
Identifiers: ClinVar variation 2179438 (VCV002179438.5), dbSNP rs199595285, ClinGen allele CA9589050.